The following is an entry in ClinVar:

NM_004006.3(DMD):c.832-54A>G

Gene: DMD (dystrophin; minus strand). Cytogenetic location: Xp21.1.
Variant type: single nucleotide variant.
Coding change: c.832-54A>G on transcript NM_004006.3 (MANE Select); 54 bases into the intron before coding-DNA position 832, A replaced by G.
Molecular consequence: intron variant.
Genome position (GRCh38, 1-based): chrX:32,698,052, T>C on the plus strand (A>G on the coding strand, the complement: DMD is on the minus strand). VCF-style: chrX-32698052-T-C. GRCh37 (hg19) VCF-style: chrX-32716169-T-C.
Other names: c.808-54A>G (NM_000109.4); c.820-54A>G (NM_004009.3); c.463-54A>G (NM_004010.3).
Identifiers: ClinVar variation 673386 (VCV000673386.2), dbSNP rs41303183, ClinGen allele CA328553685.
Genomic context (GRCh38, chrX:32,698,052, plus strand): 5'-CCGTGATCTGCAGAGAAGGGTTTGGGGGAGTGGATAGAGAGGAGGGGGAAAAACCATAAG[T>C]AACCCGAAAGGACTACTTTCCAACATGGTAGAAAACAGAACATTAAATGGAAATGGTGAG-3'

ClinVar aggregate classification (germline): Likely benign. Review status: criteria provided, multiple submitters, no conflicts (2 of 4 stars). 2 submissions from 2 submitters: Likely benign (2). Last evaluated 2018-06-19.

Allele frequency attached by ClinVar (database versions not stated): 1000 Genomes Project 0.00927; 1000 Genomes Project 30x 0.00957; TOPMed 0.01707; gnomAD 0.01787 and 0.01801; gnomAD exomes 0.02546.
gnomAD v4.1: 28,001 of 1,136,345 alleles (2.5%); highest among the groups gnomAD compares: Non-Finnish European, 2.9%; 289 homozygotes.

Submissions (2):

GeneDx
Classification: Likely benign. Last evaluated: 2018-06-19. Review status: criteria provided, single submitter. Criteria: GeneDx Variant Classification (06012015). Collection method: clinical testing. Allele origin: germline. Affected: yes.
Comment: This variant is considered likely benign or benign based on one or more of the following criteria: it is a conservative change, it occurs at a poorly conserved position in the protein, it is predicted to be benign by multiple in silico algorithms, and/or has population frequency not consistent with disease.

Breakthrough Genomics
Classification: Likely benign. Review status: criteria provided, single submitter. Criteria: ACMG Guidelines, 2015. Collection method: not provided. Allele origin: germline. Inheritance: X-linked inheritance. Affected: yes.